The following is an entry in ClinVar:

ClinVar aggregate classification (germline): Uncertain significance (1 of 4 stars; one submission).

Conditions:
3-methylcrotonyl-CoA carboxylase 1 deficiency (MCC1D). Also called: MCC 1 deficiency; 3 Alpha methylcrotonylglycinuria 1; MCCD TYPE 1; METHYLCROTONYLGLYCINURIA TYPE I. Identifiers: Orphanet 6, MedGen CN028786, MONDO:0008861, OMIM 210200.

Submission:

Labcorp Genetics (formerly Invitae), Labcorp
Classification: Uncertain significance for 3-methylcrotonyl-CoA carboxylase 1 deficiency. Last evaluated: 2022-08-21. Review status: criteria provided, single submitter. Criteria: Invitae Variant Classification Sherloc (09022015). Collection method: clinical testing. Allele origin: germline.
Comment: Variants that disrupt the consensus splice site are a relatively common cause of aberrant splicing (PMID: 17576681, 9536098). Algorithms developed to predict the effect of sequence changes on RNA splicing suggest that this variant is not likely to affect RNA splicing. In summary, the available evidence is currently insufficient to determine the role of this variant in disease. Therefore, it has been classified as a Variant of Uncertain Significance. This variant has not been reported in the literature in individuals affected with MCCC1-related conditions. This sequence change falls in intron 9 of the MCCC1 gene. It does not directly change the encoded amino acid sequence of the MCCC1 protein. It affects a nucleotide within the consensus splice site. This variant is not present in population databases (gnomAD no frequency).

Literature cited by the submitters: PubMed 17576681; PubMed 9536098.

NM_020166.5(MCCC1):c.955+6T>C

Gene: MCCC1 (methylcrotonyl-CoA carboxylase subunit 1; minus strand). Cytogenetic location: 3q27.1.
Variant type: single nucleotide variant.
Coding change: c.955+6T>C on transcript NM_020166.5 (MANE Select); 6 bases into the intron after coding-DNA position 955, T replaced by C.
Molecular consequence: intron variant.
Genome position (GRCh38, 1-based): chr3:183,052,153, A>G on the plus strand (T>C on the coding strand, the complement: MCCC1 is on the minus strand). VCF-style: chr3-183052153-A-G. GRCh37 (hg19) VCF-style: chr3-182769941-A-G.
Other names: c.628+6T>C (NM_001363880.1); c.604+6T>C (NM_001293273.2).
Identifiers: ClinVar variation 2096365 (VCV002096365.4), dbSNP rs930671673, ClinGen allele CA88710579.
Genomic context (GRCh38, chr3:183,052,153, plus strand): 5'-CTTGCCTTCTAAAACATAAATTAAACACTGTTACGTCTCTTCCATTAGAAGCAAATCTTA[A>G]CCTACCTGCTCCAACATAATTTACAGCTTTAGCAGCTCTGACTGCAGCTTCTCCCAGCTT-3'